The following is an entry in ClinVar:

NM_018133.4(MSL2):c.535G>T (p.Glu179Ter)

Gene: MSL2 (MSL complex subunit 2; minus strand). Cytogenetic location: 3q22.3.
Variant type: single nucleotide variant.
Coding change: c.535G>T on transcript NM_018133.4 (MANE Select); coding-DNA position 535, G replaced by T.
Protein change: p.Glu179Ter; replaces glutamic acid 179 with a stop codon.
Molecular consequence: nonsense.
Genome position (GRCh38, 1-based): chr3:136,152,346, C>A on the plus strand (G>T on the coding strand, the complement: MSL2 is on the minus strand). VCF-style: chr3-136152346-C-A. GRCh37 (hg19) VCF-style: chr3-135871188-C-A.
Other names: p.(Glu179Ter); c.313G>T, p.Glu105Ter (NM_001145417.2); short protein forms E179*, E105*.
Identifiers: ClinVar variation 2475601 (VCV002475601.3), dbSNP rs2529548404, ClinGen allele CA354736890.

ClinVar aggregate classification (germline): Pathogenic (1 of 4 stars; one submission).

Submission:

Ambry Genetics
Classification: Pathogenic. Last evaluated: 2024-12-05. Review status: criteria provided, single submitter. Criteria: Ambry Variant Classification Scheme 2023. Collection method: clinical testing. Allele origin: germline.
Comment: The c.535G>T (p.E179*) alteration, located in exon 2 (coding exon 2) of the MSL2 gene, consists of a G to T substitution at nucleotide position 535. This changes the amino acid from a glutamic acid (E) to a stop codon at amino acid position 179. This alteration is not expected to trigger nonsense-mediated mRNA decay, and impacts the last 69% of the protein. Premature stop codons are typically deleterious in nature and a significant portion of the protein is affected (Ambry internal data). This variant was not reported in population-based cohorts in the Genome Aggregation Database (gnomAD). The p.E179* alteration was determined to be de novo in at least one individual with features consistent with MSL2-related neurodevelopmental disorder (Karayol, 2024). Based on the available evidence, this alteration is classified as pathogenic.

Literature cited by the submitters: PubMed 38815585.